The following is an entry in ClinVar:

NM_144499.3(GNAT1):c.678C>G (p.Tyr226Ter)

Gene: GNAT1 (G protein subunit alpha transducin 1; plus strand). Cytogenetic location: 3p21.31.
Variant type: single nucleotide variant.
Coding change: c.678C>G on transcript NM_144499.3 (MANE Select); coding-DNA position 678, C replaced by G.
Protein change: p.Tyr226Ter; replaces tyrosine 226 with a stop codon.
Molecular consequence: nonsense.
Genome position (GRCh38, 1-based): chr3:50,194,191, C>G. VCF-style: chr3-50194191-C-G. GRCh37 (hg19) VCF-style: chr3-50231624-C-G.
Other names: c.678C>G, p.Tyr226Ter (NM_000172.4); short protein forms Y226*.
Identifiers: ClinVar variation 2853836 (VCV002853836.3), dbSNP rs534226069, ClinGen allele CA352917256.

ClinVar aggregate classification (germline): Pathogenic (1 of 4 stars; one submission).

Submission:

Labcorp Genetics (formerly Invitae), Labcorp
Classification: Pathogenic. Last evaluated: 2023-04-09. Review status: criteria provided, single submitter. Criteria: Invitae Variant Classification Sherloc (09022015). Collection method: clinical testing. Allele origin: germline.
Comment: This sequence change creates a premature translational stop signal (p.Tyr226*) in the GNAT1 gene. It is expected to result in an absent or disrupted protein product. Loss-of-function variants in GNAT1 are known to be pathogenic (PMID: 11095744, 31736247). This variant is present in population databases (no rsID available, gnomAD 0.006%). This variant has not been reported in the literature in individuals affected with GNAT1-related conditions. For these reasons, this variant has been classified as Pathogenic.

Literature cited by the submitters: PubMed 11095744; PubMed 31736247.